The following is an entry in ClinVar:

ClinVar aggregate classification (germline): Uncertain significance (1 of 4 stars; one submission).

Allele frequency attached by ClinVar (database versions not stated): TOPMed 0.00001.

Submission:

Ambry Genetics
Classification: Uncertain significance. Last evaluated: 2021-10-17. Review status: criteria provided, single submitter. Criteria: Ambry Variant Classification Scheme 2023. Collection method: clinical testing. Allele origin: germline.
Comment: The p.H783Q variant (also known as c.2349T>G), located in coding exon 21 of the PRKDC gene, results from a T to G substitution at nucleotide position 2349. The histidine at codon 783 is replaced by glutamine, an amino acid with highly similar properties. This amino acid position is conserved. In addition, this alteration is predicted to be tolerated by in silico analysis. Since supporting evidence is limited at this time, the clinical significance of this alteration remains unclear.

NM_006904.7(PRKDC):c.2349T>G (p.His783Gln)

Gene: PRKDC (protein kinase, DNA-activated, catalytic subunit; minus strand). Cytogenetic location: 8q11.21.
Variant type: single nucleotide variant.
Coding change: c.2349T>G on transcript NM_006904.7 (MANE Select); coding-DNA position 2349, T replaced by G.
Protein change: p.His783Gln; replaces histidine 783 with glutamine.
Molecular consequence: missense variant.
Genome position (GRCh38, 1-based): chr8:47,927,264, A>C on the plus strand (T>G on the coding strand, the complement: PRKDC is on the minus strand). VCF-style: chr8-47927264-A-C. GRCh37 (hg19) VCF-style: chr8-48839824-A-C.
Other names: c.2349T>G, p.His783Gln (NM_001081640.2); short protein forms H783Q.
Identifiers: ClinVar variation 1789961 (VCV001789961.2), dbSNP rs1423365636, ClinGen allele CA371161791.
Genomic context (GRCh38, chr8:47,927,264, plus strand): 5'-TGAAGTCTTCAGGTATCCATCCAGGCAGGGGAGAATGTCTTTGTAATAAGGCTGCATTAC[A>C]TGTCTGTCAATATAAATTGACCATTCTTCTAGAGCATTCAGGCCTACTTCTGCCAAGGGG-3'
Protein context (NP_008835.5, residues 773-793): LEEWSIYIDR[His783Gln]VMQPYYKDIL